The following is an entry in ClinVar:

NM_014251.3(SLC25A13):c.1064G>T (p.Arg355Leu)

Gene: SLC25A13 (solute carrier family 25 member 13; minus strand). Cytogenetic location: 7q21.3.
Variant type: single nucleotide variant.
Coding change: c.1064G>T on transcript NM_014251.3 (MANE Select); coding-DNA position 1064, G replaced by T.
Protein change: p.Arg355Leu; replaces arginine 355 with leucine.
Molecular consequence: missense variant. On other transcripts: non-coding transcript variant (1).
Genome position (GRCh38, 1-based): chr7:96,184,390, C>A on the plus strand (G>T on the coding strand, the complement: SLC25A13 is on the minus strand). VCF-style: chr7-96184390-C-A. GRCh37 (hg19) VCF-style: chr7-95813702-C-A.
Other names: c.1067G>T, p.Arg356Leu (NM_001160210.2); short protein forms R355L, R356L.
Identifiers: ClinVar variation 3896464 (VCV003896464.2).

ClinVar aggregate classification (germline): Uncertain significance (1 of 4 stars; one submission).

gnomAD v4.1: 1 of 1,614,062 alleles (0.000062%); highest among the groups gnomAD compares: South Asian, 0.0011%; no homozygotes.

Submission:

Women's Health and Genetics/Laboratory Corporation of America, LabCorp
Classification: Uncertain significance. Last evaluated: 2025-04-05. Review status: criteria provided, single submitter. Criteria: LabCorp Variant Classification Summary - May 2015. Collection method: clinical testing. Allele origin: germline.
Comment: Variant summary: SLC25A13 c.1064G>T (p.Arg355Leu) results in a non-conservative amino acid change in the encoded protein sequence. Five of five in-silico tools predict a damaging effect of the variant on protein function. The variant allele was found at a frequency of 4e-06 in 251346 control chromosomes (gnomAD). The available data on variant occurrences in the general population are insufficient to allow any conclusion about variant significance. To our knowledge, no occurrence of c.1064G>T in individuals affected with Citrullinemia Type II and no experimental evidence demonstrating its impact on protein function have been reported. A different variant affecting the same codon has been classified as pathogenic by our lab (c.1064G>A, p.Arg355Gln), supporting the critical relevance of codon 355 to SLC25A13 protein function. No submitters have cited clinical-significance assessments for this variant to ClinVar. Based on the evidence outlined above, the variant was classified as uncertain significance.